The following is an entry in ClinVar:

ClinVar aggregate classification (germline): Uncertain significance (1 of 4 stars; one submission).

Conditions:
Hereditary cancer-predisposing syndrome. Also called: Tumor predisposition; Hereditary neoplastic syndrome; Hereditary Cancer Syndrome; Neoplastic Syndromes, Hereditary. Identifiers: Orphanet 140162, MedGen C0027672, MeSH D009386, MONDO:0015356.

Submission:

Ambry Genetics
Classification: Uncertain significance for Hereditary cancer-predisposing syndrome. Last evaluated: 2024-03-05. Review status: criteria provided, single submitter. Criteria: Ambry Variant Classification Scheme 2023. Collection method: clinical testing. Allele origin: germline.
Comment: The p.M343V variant (also known as c.1027A>G), located in coding exon 9 of the MRE11A gene, results from an A to G substitution at nucleotide position 1027. The methionine at codon 343 is replaced by valine, an amino acid with highly similar properties. This amino acid position is conserved. In addition, the in silico prediction for this alteration is inconclusive. Based on the available evidence, the clinical significance of this alteration remains unclear.

NM_005591.4(MRE11):c.1027A>G (p.Met343Val)

Gene: MRE11 (MRE11 double strand break repair nuclease; minus strand). Cytogenetic location: 11q21.
Variant type: single nucleotide variant.
Coding change: c.1027A>G on transcript NM_005591.4 (MANE Select); coding-DNA position 1027, A replaced by G.
Protein change: p.Met343Val; replaces methionine 343 with valine.
Molecular consequence: missense variant.
Genome position (GRCh38, 1-based): chr11:94,467,884, T>C on the plus strand (A>G on the coding strand, the complement: MRE11 is on the minus strand). VCF-style: chr11-94467884-T-C. GRCh37 (hg19) VCF-style: chr11-94201050-T-C.
Other names: c.1027A>G, p.Met343Val (NM_001330347.2, NM_005590.4); short protein forms M343V.
Identifiers: ClinVar variation 3224811 (VCV003224811.1), dbSNP rs2496461103, ClinGen allele CA382373905.